The following is an entry in ClinVar:

NM_001083961.2(WDR62):c.186C>T (p.Leu62=)

Gene: WDR62 (WD repeat domain 62; plus strand). Cytogenetic location: 19q13.12.
Variant type: single nucleotide variant.
Coding change: c.186C>T on transcript NM_001083961.2 (MANE Select); coding-DNA position 186, C replaced by T.
Protein change: p.Leu62=; no amino-acid change (leucine 62 retained).
Molecular consequence: synonymous variant.
Genome position (GRCh38, 1-based): chr19:36,058,788, C>T. VCF-style: chr19-36058788-C-T. GRCh37 (hg19) VCF-style: chr19-36549690-C-T.
Other names: p.L62L:CTC>CTT; p.Leu62=; c.186C>T, p.Leu62= (NM_173636.5).
Identifiers: ClinVar variation 137909 (VCV000137909.25), dbSNP rs11538454, ClinGen allele CA173906.

ClinVar aggregate classification (germline): Benign. Review status: criteria provided, multiple submitters, no conflicts (2 of 4 stars). 12 submissions from 12 submitters: Benign (10). 2 of the submissions do not count toward it. Last evaluated 2026-02-02.

Conditions:
Microcephaly 2, primary, autosomal recessive, with or without cortical malformations. Also called: WDR62 Primary Microcephaly; MICROCEPHALY 2, PRIMARY, AUTOSOMAL RECESSIVE, WITH CORTICAL MALFORMATIONS. Identifiers: Orphanet 2512, MedGen C1858535, MONDO:0011435, OMIM 604317.

Allele frequency attached by ClinVar (database versions not stated): 1000 Genomes Project 30x 0.12430; 1000 Genomes Project 0.12560; gnomAD 0.14792 and 0.15001; ESP Exome Variant Server 0.15354.

Submissions (12):

Labcorp Genetics (formerly Invitae), Labcorp
Classification: Benign. Last evaluated: 2026-02-02. Review status: criteria provided, single submitter. Criteria: Invitae Variant Classification Sherloc (09022015). Collection method: clinical testing. Allele origin: germline.

Blueprint Genetics
Classification: Benign. Last evaluated: 2024-11-28. Review status: criteria provided, single submitter. Criteria: ACMG Guidelines, 2015. Collection method: clinical testing. Allele origin: germline.

Genome-Nilou Lab
Classification: Benign for Microcephaly 2, primary, autosomal recessive, with or without cortical malformations. Last evaluated: 2021-12-05. Review status: criteria provided, single submitter. Criteria: ACMG Guidelines, 2015. Collection method: clinical testing. Allele origin: germline. Affected: no.

Mayo Clinic Laboratories, Mayo Clinic
Classification: Benign. Last evaluated: 2018-04-02. Review status: criteria provided, single submitter. Criteria: ACMG Guidelines, 2015. Collection method: clinical testing. Allele origin: germline. Observed: 195 variant alleles.

Illumina Laboratory Services, Illumina
Classification: Benign for Microcephaly 2, primary, autosomal recessive, with or without cortical malformations. Last evaluated: 2018-01-13. Review status: criteria provided, single submitter. Criteria: ICSL Variant Classification Criteria 13 December 2019. Collection method: clinical testing. Allele origin: germline.
Comment: This variant was observed in the ICSL laboratory as part of a predisposition screen in an ostensibly healthy population. It had not been previously curated by ICSL or reported in the Human Gene Mutation Database (HGMD: prior to June 1st, 2018), and was therefore a candidate for classification through an automated scoring system. Utilizing variant allele frequency, disease prevalence and penetrance estimates, and inheritance mode, an automated score was calculated to assess if this variant is too frequent to cause the disease. Based on the score and internal cut-off values, a variant classified as benign is not then subjected to further curation. The score for this variant resulted in a classification of benign for this disease.

Athena Diagnostics
Classification: Benign for Microcephaly 2, primary, autosomal recessive, with or without cortical malformations. Last evaluated: 2017-06-05. Review status: criteria provided, single submitter. Criteria: Athena Diagnostics Criteria. Collection method: clinical testing. Allele origin: germline.

GeneDx
Classification: Benign. Last evaluated: 2013-12-17. Review status: criteria provided, single submitter. Criteria: GeneDx Variant Classification (06012015). Collection method: clinical testing. Allele origin: germline. Affected: yes.
Comment: This variant is considered likely benign or benign based on one or more of the following criteria: it is a conservative change, it occurs at a poorly conserved position in the protein, it is predicted to be benign by multiple in silico algorithms, and/or has population frequency not consistent with disease.

Genetic Services Laboratory, University of Chicago
Classification: Benign. Last evaluated: 2013-02-08. Review status: criteria provided, single submitter. Criteria: ACMG Guidelines, 2007. Collection method: clinical testing. Allele origin: germline. Inheritance: Autosomal recessive inheritance.

Breakthrough Genomics
Classification: Benign. Review status: criteria provided, single submitter. Criteria: ACMG Guidelines, 2015. Collection method: not provided. Allele origin: germline. Inheritance: Autosomal recessive inheritance. Affected: yes.

PreventionGenetics, part of Exact Sciences
Classification: Benign. Review status: criteria provided, single submitter. Criteria: ACMG Guidelines, 2015. Collection method: clinical testing. Allele origin: germline.

Clinical Genetics DNA and cytogenetics Diagnostics Lab, Erasmus MC, Erasmus Medical Center
Classification: Benign. Review status: no assertion criteria provided. Collection method: clinical testing. Allele origin: germline. Affected: yes. Study: VKGL Data-share Consensus. Not counted in ClinVar's aggregate classification.

Joint Genome Diagnostic Labs from Nijmegen and Maastricht, Radboudumc and MUMC+
Classification: Benign. Review status: no assertion criteria provided. Collection method: clinical testing. Allele origin: germline. Affected: yes. Study: VKGL Data-share Consensus. Not counted in ClinVar's aggregate classification.